The following is an entry in ClinVar:

NM_006031.6(PCNT):c.3175G>A (p.Gly1059Arg)

Gene: PCNT (pericentrin; plus strand). Cytogenetic location: 21q22.3.
Variant type: single nucleotide variant.
Coding change: c.3175G>A on transcript NM_006031.6 (MANE Select); coding-DNA position 3175, G replaced by A.
Protein change: p.Gly1059Arg; replaces glycine 1059 with arginine.
Molecular consequence: missense variant.
Genome position (GRCh38, 1-based): chr21:46,381,703, G>A. VCF-style: chr21-46381703-G-A. GRCh37 (hg19) VCF-style: chr21-47801618-G-A.
Other names: c.2821G>A, p.Gly941Arg (NM_001315529.2); short protein forms G1059R, G941R.
Identifiers: ClinVar variation 2814563 (VCV002814563.3), dbSNP rs2518417989, ClinGen allele CA410573384.
Genomic context (GRCh38, chr21:46,381,703, plus strand): 5'-AAAGTATTTTTCTAGCTTACTGGTATTTTTTATTGTTATTGATGTGTACAGGGTGAATTT[G>A]GAAGTGAAAAGAAAACTGCTTTGCATGAAAAAGAGGAGACACTTCGGCTTCAGAGTGCAC-3'
Protein context (NP_006022.3, residues 1049-1069): ELQGVHQGEF[Gly1059Arg]SEKKTALHEK

ClinVar aggregate classification (germline): Uncertain significance (1 of 4 stars; one submission).

Allele frequency attached by ClinVar (database versions not stated): gnomAD exomes below 0.00001.

Submission:

Labcorp Genetics (formerly Invitae), Labcorp
Classification: Uncertain significance. Last evaluated: 2022-11-15. Review status: criteria provided, single submitter. Criteria: Invitae Variant Classification Sherloc (09022015). Collection method: clinical testing. Allele origin: germline.
Comment: This sequence change replaces glycine, which is neutral and non-polar, with arginine, which is basic and polar, at codon 1059 of the PCNT protein (p.Gly1059Arg). This variant is not present in population databases (gnomAD no frequency). This variant has not been reported in the literature in individuals affected with PCNT-related conditions. Algorithms developed to predict the effect of missense changes on protein structure and function are either unavailable or do not agree on the potential impact of this missense change (SIFT: "Tolerated"; PolyPhen-2: "Possibly Damaging"; Align-GVGD: "Class C0"). In summary, the available evidence is currently insufficient to determine the role of this variant in disease. Therefore, it has been classified as a Variant of Uncertain Significance.